The following is an entry in ClinVar:

ClinVar aggregate classification (germline): Conflicting classifications of pathogenicity. Review status: criteria provided, conflicting classifications (1 of 4 stars). 3 submissions from 3 submitters: Likely pathogenic (1); Uncertain significance (2). Last evaluated 2025-12-15.

Conditions:
Metachromatic leukodystrophy (MLD). Also called: METACHROMATIC LEUKOENCEPHALOPATHY; ARSA DEFICIENCY; CEREBROSIDE SULFATASE DEFICIENCY; SULFATIDE LIPIDOSIS; Cerebral sclerosis diffuse metachromatic form; Arylsulfatase A Deficiency. Identifiers: Orphanet 512, MedGen C0023522, MONDO:0018868, OMIM 250100.
ARSA-related disorder. Also called: ARSA-related condition.

Submissions (3):

Labcorp Genetics (formerly Invitae), Labcorp
Classification: Likely pathogenic for Metachromatic leukodystrophy. Last evaluated: 2025-12-15. Review status: criteria provided, single submitter. Criteria: Invitae Variant Classification Sherloc (09022015). Collection method: clinical testing. Allele origin: germline.
Comment: This sequence change replaces alanine, which is neutral and non-polar, with serine, which is neutral and polar, at codon 226 of the ARSA protein (p.Ala226Ser). This variant is not present in population databases (gnomAD no frequency). This variant has not been reported in the literature in individuals affected with ARSA-related conditions. ClinVar contains an entry for this variant (Variation ID: 2777464). Invitae Evidence Modeling of protein sequence and biophysical properties (such as structural, functional, and spatial information, amino acid conservation, physicochemical variation, residue mobility, and thermodynamic stability) indicates that this missense variant is expected to disrupt ARSA protein function with a positive predictive value of 95%. This variant disrupts the p.Ala226 amino acid residue in ARSA. Other variant(s) that disrupt this residue have been determined to be pathogenic (PMID: 7906588; internal data). This suggests that this residue is clinically significant, and that variants that disrupt this residue are likely to be disease-causing. In summary, the currently available evidence indicates that the variant is pathogenic, but additional data are needed to prove that conclusively. Therefore, this variant has been classified as Likely Pathogenic.

GeneDx
Classification: Uncertain significance. Last evaluated: 2025-01-16. Review status: criteria provided, single submitter. Criteria: GeneDx Variant Classification Process June 2021. Collection method: clinical testing. Allele origin: germline. Affected: yes.
Comment: Not observed at significant frequency in large population cohorts (gnomAD); In silico analysis indicates that this missense variant does not alter protein structure/function; Has not been previously published as pathogenic or benign to our knowledge

PreventionGenetics, part of Exact Sciences
Classification: Uncertain significance for ARSA-related condition. Last evaluated: 2024-11-25. Review status: criteria provided, single submitter. Criteria: ACMG Guidelines, 2015. Collection method: clinical testing. Allele origin: germline.
Comment: The ARSA c.676G>T variant is predicted to result in the amino acid substitution p.Ala226Ser. To our knowledge, this variant was not reported in the literature or in a large population database (gnomAD), indicating this variant is rare. A different variant affecting this residue has been reported in a patient with biochemical and clinical features of metachromatic leukodystrophy (p.Ala226Val, Barth et al. 1993. PubMed ID: 7906588). Although we suspect that the c.676G>T variant may be pathogenic, at this time, the clinical significance of this variant is uncertain due to the absence of conclusive functional and genetic evidence.

Literature cited by the submitters: PubMed 7906588 (cited by Labcorp Genetics (formerly Invitae), Labcorp).

NM_000487.6(ARSA):c.676G>T (p.Ala226Ser)

Gene: ARSA (arylsulfatase A; minus strand). Cytogenetic location: 22q13.33.
Variant type: single nucleotide variant.
Coding change: c.676G>T on transcript NM_000487.6 (MANE Select); coding-DNA position 676, G replaced by T.
Protein change: p.Ala226Ser; replaces alanine 226 with serine.
Molecular consequence: missense variant.
Genome position (GRCh38, 1-based): chr22:50,626,842, C>A on the plus strand (G>T on the coding strand, the complement: ARSA is on the minus strand). VCF-style: chr22-50626842-C-A. GRCh37 (hg19) VCF-style: chr22-51065270-C-A.
Other names: c.676G>T, p.Ala226Ser (NM_001085425.3, NM_001085426.3, NM_001085427.3); c.418G>T, p.Ala140Ser (NM_001085428.3, NM_001362782.2); c.676G>T (NM_000487.5); short protein forms A226S, A140S.
Identifiers: ClinVar variation 2777464 (VCV002777464.5), dbSNP rs892043822, ClinGen allele CA325531479.
Genomic context (GRCh38, chr22:50,626,842, plus strand): 5'-AGCACTGGGTAGGGGTCACGGGCAGCCAGGGGGTTGGGCCAAGATCACTTACGTGAGAGG[C>A]ATAGTACAGGAAGAAGGGGCGATCCTGGCGCTGGGCGTCGGCCATGAGGTCATGGGCGAA-3'
Protein context (NP_000478.3, residues 216-236): RQDRPFFLYY[Ala226Ser]SHHTHYPQFS